The following is an entry in ClinVar:

ClinVar aggregate classification (germline): Likely pathogenic (1 of 4 stars; one submission).

Conditions:
Mitochondrial hypertrophic cardiomyopathy with lactic acidosis due to MTO1 deficiency. Also called: Combined oxidative phosphorylation deficiency 10; CARDIOMYOPATHY, INFANTILE HYPERTROPHIC MITOCHONDRIAL, AND LACTIC ACIDOSIS. Identifiers: Orphanet 314637, MedGen C4749921, MONDO:0013865, OMIM 614702.

Submission:

Labcorp Genetics (formerly Invitae), Labcorp
Classification: Likely pathogenic for Mitochondrial hypertrophic cardiomyopathy with lactic acidosis due to MTO1 deficiency. Last evaluated: 2022-11-05. Review status: criteria provided, single submitter. Criteria: Invitae Variant Classification Sherloc (09022015). Collection method: clinical testing. Allele origin: germline.
Comment: In summary, the currently available evidence indicates that the variant is pathogenic, but additional data are needed to prove that conclusively. Therefore, this variant has been classified as Likely Pathogenic. This variant has not been reported in the literature in individuals affected with MTO1-related conditions. This variant results in a copy number gain of the genomic region encompassing exon(s) 4 of the MTO1 gene. While the exact position of this variant cannot be determined from the data, sub-genic copy number gains are generally in tandem (PMID: 25640679). This variant is predicted to be out-of-frame, and may result in an absent or disrupted protein product. Loss-of-function variants in MTO1 are known to be pathogenic (PMID: 22608499, 25058219).

Literature cited by the submitters: PubMed 25640679; PubMed 22608499; PubMed 25058219.

NC_000006.11:g.(?_74183068)_(74183397_?)dup

Gene: MTO1 (mitochondrial tRNA translation optimization 1; plus strand). Cytogenetic location: 6q13.
Variant type: Duplication.
Identifiers: ClinVar variation 2425765 (VCV002425765.3).